The following is an entry in ClinVar:

ClinVar aggregate classification (germline): Pathogenic. Review status: criteria provided, multiple submitters, no conflicts (2 of 4 stars). 7 submissions from 7 submitters: Pathogenic (6). 1 of the submissions does not count toward it. Last evaluated 2026-10-20.

Conditions:
Spastic paraplegia. Identifiers: MedGen C0037772, HP:0001258.
Hereditary spastic paraplegia. Also called: Familial spastic paraparesis. Identifiers: Orphanet 685, MedGen C0037773, MONDO:0019064. Disease mechanism: loss of function.
Charlevoix-Saguenay spastic ataxia (SACS). Also called: SPASTIC ATAXIA 6, AUTOSOMAL RECESSIVE; AUTOSOMAL RECESSIVE SPASTIC ATAXIA OF CHARLEVOIX-SAGUENAY; Spastic ataxia of Charlevoix-Saguenay. Identifiers: Orphanet 98, MedGen C1849140, MONDO:0010041, OMIM 270550.

Submissions (7):

GeneDx
Classification: Pathogenic. Last evaluated: 2026-10-20. Review status: criteria provided, single submitter. Criteria: GeneDx Variant Classification Process June 2021. Collection method: clinical testing. Allele origin: germline.
Comment: Frameshift variant predicted to result in protein truncation, as the last 2994 amino acids are replaced with 2 different amino acids, and other loss-of-function variants have been reported downstream in the Human Gene Mutation Database (HGMD); Not observed at a significant frequency in large population cohorts (gnomAD); This variant is associated with the following publications: (PMID: 26153042, 30460542, 27871429)

Natera, Inc.
Classification: Pathogenic for Charlevoix-Saguenay type spastic ataxia. Last evaluated: 2025-06-23. Review status: criteria provided, single submitter. Criteria: Natera Variant Classification Schema (03/2026). Collection method: clinical testing. Allele origin: germline.
Comment: The c.4756_4760delAATCA variant in SACS is a frameshift variant predicted to shift the reading frame beginning at codon 1586 and leads to a stop codon 3 codons downstream. This variant is expected to result in nonsense mediated decay, truncation, or a dysfunctional protein product. This variant is rare in the general population with a frequency below the threshold expected for the associated phenotype(s). This variant has been observed in one or more individuals affected with the associated recessive disease, as either homozygous or compound heterozygous with a second variant (PMID: 27871429, 34649874). Additionally, this variant has been observed to segregate in affected family members (PMID: 34649874). Given the available evidence, this variant is classified as Pathogenic.

3billion
Classification: Pathogenic for Charlevoix-Saguenay spastic ataxia. Last evaluated: 2025-03-14. Review status: criteria provided, single submitter. Criteria: ACMG Guidelines, 2015. Collection method: clinical testing. Allele origin: germline. Affected: yes.
Comment: The variant is observed at an extremely low frequency in the gnomAD v4.1.0 dataset (total allele frequency: 0.001%).Predicted Consequence/Location: Frameshift: predicted to result in a loss or disruption of normal protein function through protein truncation. The predicted truncated protein may be shortened by more than 10%. The variant was homozygous. The variant has been reported to co-segregate with the disease in at least one similarly affected relative/individual in the same family or similarly affected unrelated families (PMID: 27871429). The variant has been reported at least twice as pathogenic without evidence for the classification (ClinVar ID: VCV001202576 / PMID: 27871429). Therefore, this variant is classified as Pathogenic according to the recommendation of ACMG/AMP guideline.

Labcorp Genetics (formerly Invitae), Labcorp
Classification: Pathogenic for Spastic paraplegia. Last evaluated: 2023-11-17. Review status: criteria provided, single submitter. Criteria: Invitae Variant Classification Sherloc (09022015). Collection method: clinical testing. Allele origin: germline.
Comment: This sequence change creates a premature translational stop signal (p.Asn1586Tyrfs*3) in the SACS gene. While this is not anticipated to result in nonsense mediated decay, it is expected to disrupt the last 2994 amino acid(s) of the SACS protein. This variant is present in population databases (rs765361868, gnomAD 0.005%). This premature translational stop signal has been observed in individual(s) with clinical features of SACS-related conditions (PMID: 27871429, 30460542). It has also been observed to segregate with disease in related individuals. ClinVar contains an entry for this variant (Variation ID: 1202576). This variant disrupts a region of the SACS protein in which other variant(s) (p.Arg3903*) have been determined to be pathogenic (PMID: 19892370, 21745802). This suggests that this is a clinically significant region of the protein, and that variants that disrupt it are likely to be disease-causing. For these reasons, this variant has been classified as Pathogenic.

PROSPAX: an integrated multimodal progression  chart in spastic ataxias, Center for Neurology; Hertie-Institute for Clinical Brain Research
Classification: Pathogenic for Charlevoix-Saguenay spastic ataxia. Last evaluated: 2022-01-01. Review status: criteria provided, single submitter. Criteria: ACMG Guidelines, 2015. Collection method: research. Allele origin: germline. Affected: yes.
Comment: Variant seen in compound het: [c.2881C>T;c.4756_4760delAATCA]

Genome Diagnostics Laboratory, The Hospital for Sick Children
Classification: Pathogenic for Hereditary spastic paraplegia. Last evaluated: 2017-07-12. Review status: criteria provided, single submitter. Criteria: ACMG Guidelines, 2015. Collection method: clinical testing. Allele origin: germline. Affected: yes.

Solve-RD Consortium
Classification: Likely pathogenic for Charlevoix-Saguenay spastic ataxia. Last evaluated: 2022-06-01. Review status: no assertion criteria provided. Collection method: provider interpretation. Allele origin: inherited. Affected: yes. Not counted in ClinVar's aggregate classification.
Comment: Variant confirmed as disease-causing by referring clinical team

Variant identified during reanalysis of unsolved cases by the Solve-RD project. The Solve-RD project has received funding from the European Union’s Horizon 2020 research and innovation programme under grant agreement No 779257.

Literature cited by the submitters: PubMed 27871429 (cited by 3 submitters); PubMed 34649874 (cited by Natera, Inc.); PubMed 30460542 (cited by Labcorp Genetics (formerly Invitae), Labcorp); PubMed 19892370 (cited by Labcorp Genetics (formerly Invitae), Labcorp); PubMed 21745802 (cited by Labcorp Genetics (formerly Invitae), Labcorp); PubMed 39825153 (cited by Solve-RD Consortium).

NM_014363.6(SACS):c.4756_4760del (p.Asn1586fs)

Gene: SACS (sacsin molecular chaperone; minus strand). Cytogenetic location: 13q12.12.
Variant type: Deletion.
Coding change: c.4756_4760del on transcript NM_014363.6 (MANE Select); coding-DNA positions 4756 to 4760, 5 bases deleted (AATCA; older notation c.4756_4760delAATCA).
Protein change: p.Asn1586fs; shifts the reading frame from asparagine 1586.
Molecular consequence: frameshift variant.
Genome position (GRCh38, 1-based): chr13:23,339,116-23,339,120, TGATT deleted on the plus strand (AATCA on the coding strand, the reverse complement: SACS is on the minus strand); deleting any 5 consecutive bases within chr13:23,339,116-23,339,121 gives the same sequence; the c. name uses the placement nearest the transcript's 3' end. VCF-style (leftmost placement, unchanged base first): chr13-23339115-ATGATT-A. GRCh37 (hg19) VCF-style: chr13-23913254-ATGATT-A.
Other names: c.4756_4760delAATCA (NM_014363.4, NM_014363.5); c.4315_4319del, p.Asn1439fs (NM_001278055.2); short protein forms N1439fs, N1586fs.
Identifiers: ClinVar variation 1202576 (VCV001202576.22), dbSNP rs765361868, ClinGen allele CA6911346.
Genomic context (GRCh38, chr13:23,339,115, plus strand): 5'-TTGTTTACTCCAATTAATTTTGATCCCAGGATTGGATTTGTCTTTAATGTGTTTACTGAT[ATGATT>A]TATGTTTGGATCGAACATTATCATGAATTCCCGACTCATAATGATGGGAATGTCAGTGAT-3'